The following is an entry in ClinVar:

NM_004958.4(MTOR):c.6808C>T (p.Arg2270Trp)

Gene: MTOR (mechanistic target of rapamycin kinase; minus strand). Cytogenetic location: 1p36.22.
Variant type: single nucleotide variant.
Coding change: c.6808C>T on transcript NM_004958.4 (MANE Select); coding-DNA position 6808, C replaced by T.
Protein change: p.Arg2270Trp; replaces arginine 2270 with tryptophan.
Molecular consequence: missense variant.
Genome position (GRCh38, 1-based): chr1:11,121,981, G>A on the plus strand (C>T on the coding strand, the complement: MTOR is on the minus strand). VCF-style: chr1-11121981-G-A. GRCh37 (hg19) VCF-style: chr1-11182038-G-A.
Other names: c.6808C>T, p.Arg2270Trp (NM_001386500.1); c.5560C>T, p.Arg1854Trp (NM_001386501.1); short protein forms R1854W, R2270W.
Identifiers: ClinVar variation 1394581 (VCV001394581.6), dbSNP rs1266984212, ClinGen allele CA338385659.

ClinVar aggregate classification (germline): Uncertain significance (1 of 4 stars; one submission).

gnomAD v4.1: 2 of 1,613,878 alleles (0.00012%); highest among the groups gnomAD compares: East Asian, 0.0022%; no homozygotes.

Submission:

Labcorp Genetics (formerly Invitae), Labcorp
Classification: Uncertain significance. Last evaluated: 2022-09-07. Review status: criteria provided, single submitter. Criteria: Invitae Variant Classification Sherloc (09022015). Collection method: clinical testing. Allele origin: germline.
Comment: In summary, the available evidence is currently insufficient to determine the role of this variant in disease. Therefore, it has been classified as a Variant of Uncertain Significance. Algorithms developed to predict the effect of sequence changes on RNA splicing suggest that this variant may create or strengthen a splice site. Algorithms developed to predict the effect of missense changes on protein structure and function are either unavailable or do not agree on the potential impact of this missense change (SIFT: "Deleterious"; PolyPhen-2: "Probably Damaging"; Align-GVGD: "Class C0"). ClinVar contains an entry for this variant (Variation ID: 1394581). This variant has not been reported in the literature in individuals affected with MTOR-related conditions. This variant is not present in population databases (gnomAD no frequency). This sequence change replaces arginine, which is basic and polar, with tryptophan, which is neutral and slightly polar, at codon 2270 of the MTOR protein (p.Arg2270Trp).